The following is an entry in ClinVar:

NM_017617.5(NOTCH1):c.5914G>C (p.Asp1972His)

Gene: NOTCH1 (notch receptor 1; minus strand). Cytogenetic location: 9q34.3.
Variant type: single nucleotide variant.
Coding change: c.5914G>C on transcript NM_017617.5 (MANE Select); coding-DNA position 5914, G replaced by C.
Protein change: p.Asp1972His; replaces aspartic acid 1972 with histidine.
Molecular consequence: missense variant.
Genome position (GRCh38, 1-based): chr9:136,500,572, C>G on the plus strand (G>C on the coding strand, the complement: NOTCH1 is on the minus strand). VCF-style: chr9-136500572-C-G. GRCh37 (hg19) VCF-style: chr9-139395024-C-G.
Other names: short protein forms D1972H.
Identifiers: ClinVar variation 3031762 (VCV003031762.2), dbSNP rs1414380652, ClinGen allele CA375636351.

ClinVar aggregate classification (germline): Uncertain significance (0 of 4 stars; one submission).

Conditions:
NOTCH1-related disorder. Also called: NOTCH1-related condition; NOTCH1-related disorders.

Submission:

PreventionGenetics, part of Exact Sciences
Classification: Uncertain significance for NOTCH1-related condition. Last evaluated: 2023-12-20. Review status: no assertion criteria provided. Collection method: clinical testing. Allele origin: germline.
Comment: The NOTCH1 c.5914G>C variant is predicted to result in the amino acid substitution p.Asp1972His. To our knowledge, this variant has not been reported in the literature or in a large population database, indicating this variant is rare. At this time, the clinical significance of this variant is uncertain due to the absence of conclusive functional and genetic evidence.